The following is an entry in ClinVar:

ClinVar aggregate classification (germline): Uncertain significance. Review status: criteria provided, multiple submitters, no conflicts (2 of 4 stars). 2 submissions from 2 submitters: Uncertain significance (2). Last evaluated 2025-08-18.

Allele frequency attached by ClinVar (database versions not stated): TOPMed 0.00002; gnomAD 0.00005; 1000 Genomes Project 0.00040; gnomAD exomes 0.00001; ExAC 0.00002; 1000 Genomes Project 30x 0.00031.
gnomAD v4.1: 22 of 1,613,300 alleles (0.0014%); highest among the groups gnomAD compares: Admixed American, 0.01%; no homozygotes.

Submissions (2):

Dasa
Classification: Uncertain significance. Last evaluated: 2025-08-18. Review status: criteria provided, single submitter. Criteria: DASA Assertion Criteria. Collection method: clinical testing. Allele origin: germline.
Comment: NM_001163809.2(WDR81):c.3740G>A (p.Arg1247Gln) is a missense variant that results in the substitution of arginine with glutamine. This variant is rare in population databases. Computational prediction algorithms are consistent with a benign effect. The currently available literature and clinical evidence are not sufficient to establish a definitive association between this variant and the reported condition. Therefore, this variant is classified as a variant of uncertain significance.

GeneDx
Classification: Uncertain significance. Last evaluated: 2022-11-12. Review status: criteria provided, single submitter. Criteria: GeneDx Variant Classification Process June 2021. Collection method: clinical testing. Allele origin: germline. Affected: yes.
Comment: Not observed at significant frequency in large population cohorts (gnomAD); In silico analysis supports that this missense variant has a deleterious effect on protein structure/function; Has not been previously published as pathogenic or benign to our knowledge

NM_001163809.2(WDR81):c.3740G>A (p.Arg1247Gln)

Gene: WDR81 (WD repeat domain 81; plus strand). Cytogenetic location: 17p13.3.
Variant type: single nucleotide variant.
Coding change: c.3740G>A on transcript NM_001163809.2 (MANE Select); coding-DNA position 3740, G replaced by A.
Protein change: p.Arg1247Gln; replaces arginine 1247 with glutamine.
Molecular consequence: missense variant.
Genome position (GRCh38, 1-based): chr17:1,730,452, G>A. VCF-style: chr17-1730452-G-A. GRCh37 (hg19) VCF-style: chr17-1633746-G-A.
Other names: c.131G>A, p.Arg44Gln (NM_001163673.2); c.59G>A, p.Arg20Gln (NM_001163811.2); c.587G>A, p.Arg196Gln (NM_152348.4); short protein forms R1247Q, R196Q, R20Q, R44Q.
Identifiers: ClinVar variation 2502061 (VCV002502061.3), dbSNP rs552940006, ClinGen allele CA8273332.